The following is an entry in ClinVar:

ClinVar aggregate classification (germline): Uncertain significance (1 of 4 stars; one submission).

Submission:

Labcorp Genetics (formerly Invitae), Labcorp
Classification: Uncertain significance. Last evaluated: 2024-01-07. Review status: criteria provided, single submitter. Criteria: Invitae Variant Classification Sherloc (09022015). Collection method: clinical testing. Allele origin: germline.
Comment: This sequence change replaces leucine, which is neutral and non-polar, with valine, which is neutral and non-polar, at codon 601 of the MSH3 protein (p.Leu601Val). This variant is not present in population databases (gnomAD no frequency). This variant has not been reported in the literature in individuals affected with MSH3-related conditions. Algorithms developed to predict the effect of missense changes on protein structure and function output the following: SIFT: "Not Available"; PolyPhen-2: "Benign"; Align-GVGD: "Not Available". The valine amino acid residue is found in multiple mammalian species, which suggests that this missense change does not adversely affect protein function. In summary, the available evidence is currently insufficient to determine the role of this variant in disease. Therefore, it has been classified as a Variant of Uncertain Significance.

NM_002439.5(MSH3):c.1801C>G (p.Leu601Val)

Gene: MSH3 (mutS homolog 3; plus strand). Cytogenetic location: 5q14.1.
Variant type: single nucleotide variant.
Coding change: c.1801C>G on transcript NM_002439.5 (MANE Select); coding-DNA position 1801, C replaced by G.
Protein change: p.Leu601Val; replaces leucine 601 with valine.
Molecular consequence: missense variant.
Genome position (GRCh38, 1-based): chr5:80,761,583, C>G. VCF-style: chr5-80761583-C-G. GRCh37 (hg19) VCF-style: chr5-80057402-C-G.
Other names: short protein forms L601V.
Identifiers: ClinVar variation 2708127 (VCV002708127.3), dbSNP rs769922097, ClinGen allele CA360276541.